The following is an entry in ClinVar:

ClinVar aggregate classification (germline): Uncertain significance. Review status: criteria provided, multiple submitters, no conflicts (2 of 4 stars). 8 submissions from 8 submitters: Uncertain significance (5). 3 of the submissions do not count toward it. Last evaluated 2025-10-17.

Conditions:
TH-deficient dopa-responsive dystonia. Also called: Tyrosine Hydroxylase-Deficient Dopa-Responsive Dystonia; Segawa syndrome, autosomal recessive; DYT-TH. Identifiers: Orphanet 101150, MedGen C2673535, MONDO:0011551, OMIM 605407.

Allele frequency attached by ClinVar (database versions not stated): ExAC 0.00015; gnomAD exomes 0.00018; gnomAD 0.00022 and 0.00024; ESP Exome Variant Server 0.00023; TOPMed 0.00023.

Submissions (8):

Women's Health and Genetics/Laboratory Corporation of America, LabCorp
Classification: Uncertain significance. Last evaluated: 2025-10-17. Review status: criteria provided, single submitter. Criteria: LabCorp Variant Classification Summary - May 2015. Collection method: clinical testing. Allele origin: germline.

CeGaT Center for Human Genetics Tuebingen
Classification: Uncertain significance. Last evaluated: 2025-10-01. Review status: criteria provided, single submitter. Criteria: CeGaT Center For Human Genetics Tuebingen Variant Classification Criteria Version 2. Collection method: clinical testing. Allele origin: germline. Affected: yes. Observed: 3 variant alleles.
Comment: TH: PM2, BP4

Labcorp Genetics (formerly Invitae), Labcorp
Classification: Uncertain significance for TH-deficient dopa-responsive dystonia. Last evaluated: 2024-12-02. Review status: criteria provided, single submitter. Criteria: Invitae Variant Classification Sherloc (09022015). Collection method: clinical testing. Allele origin: germline.
Comment: This sequence change falls in intron 13 of the TH gene. It does not directly change the encoded amino acid sequence of the TH protein. It affects a nucleotide within the consensus splice site. This variant is present in population databases (rs371566928, gnomAD 0.04%). This variant has not been reported in the literature in individuals affected with TH-related conditions. ClinVar contains an entry for this variant (Variation ID: 654645). Variants that disrupt the consensus splice site are a relatively common cause of aberrant splicing (PMID: 17576681, 9536098). Algorithms developed to predict the effect of sequence changes on RNA splicing suggest that this variant is not likely to affect RNA splicing. In summary, the available evidence is currently insufficient to determine the role of this variant in disease. Therefore, it has been classified as a Variant of Uncertain Significance.

Revvity Omics, Revvity
Classification: Uncertain significance for TH-deficient dopa-responsive dystonia. Last evaluated: 2022-01-11. Review status: criteria provided, single submitter. Criteria: ACMG Guidelines, 2015. Collection method: clinical testing. Allele origin: germline.

Illumina Laboratory Services, Illumina
Classification: Uncertain significance for TH-deficient dopa-responsive dystonia. Last evaluated: 2018-01-13. Review status: criteria provided, single submitter. Criteria: ICSL Variant Classification Criteria 13 December 2019. Collection method: clinical testing. Allele origin: germline.

Natera, Inc.
Classification: Uncertain significance for Autosomal recessive Segawa syndrome. Last evaluated: 2020-01-05. Review status: no assertion criteria provided. Collection method: clinical testing. Allele origin: germline. Not counted in ClinVar's aggregate classification.

Clinical Genetics DNA and cytogenetics Diagnostics Lab, Erasmus MC, Erasmus Medical Center
Classification: Uncertain significance. Review status: no assertion criteria provided. Collection method: clinical testing. Allele origin: germline. Affected: yes. Study: VKGL Data-share Consensus. Not counted in ClinVar's aggregate classification.

Laboratory of Diagnostic Genome Analysis, Leiden University Medical Center (LUMC)
Classification: Uncertain significance. Review status: no assertion criteria provided. Collection method: clinical testing. Allele origin: germline. Affected: yes. Study: VKGL Data-share Consensus. Not counted in ClinVar's aggregate classification.

Literature cited by the submitters: PubMed 17576681 (cited by Labcorp Genetics (formerly Invitae), Labcorp); PubMed 9536098 (cited by Labcorp Genetics (formerly Invitae), Labcorp).

NM_000360.4(TH):c.1334+3G>C

Gene: TH (tyrosine hydroxylase; minus strand). Cytogenetic location: 11p15.5.
Variant type: single nucleotide variant.
Coding change: c.1334+3G>C on transcript NM_000360.4 (MANE Select); 3 bases into the intron after coding-DNA position 1334, G replaced by C.
Molecular consequence: intron variant.
Genome position (GRCh38, 1-based): chr11:2,165,229, C>G on the plus strand (G>C on the coding strand, the complement: TH is on the minus strand). VCF-style: chr11-2165229-C-G. GRCh37 (hg19) VCF-style: chr11-2186459-C-G.
Other names: c.1415+3G>C (NM_199293.3); c.1427+3G>C (NM_199292.3).
Identifiers: ClinVar variation 654645 (VCV000654645.43), dbSNP rs371566928, ClinGen allele CA5818297.